The following is an entry in ClinVar:

NM_025114.4(CEP290):c.6731C>T (p.Thr2244Ile)

Gene: CEP290 (centrosomal protein 290; minus strand). Cytogenetic location: 12q21.32.
Variant type: single nucleotide variant.
Coding change: c.6731C>T on transcript NM_025114.4 (MANE Select); coding-DNA position 6731, C replaced by T.
Protein change: p.Thr2244Ile; replaces threonine 2244 with isoleucine.
Molecular consequence: missense variant.
Genome position (GRCh38, 1-based): chr12:88,058,935, G>A on the plus strand (C>T on the coding strand, the complement: CEP290 is on the minus strand). VCF-style: chr12-88058935-G-A. GRCh37 (hg19) VCF-style: chr12-88452712-G-A.
Other names: short protein forms T2244I.
Identifiers: ClinVar variation 4998467 (VCV004998467.1).

ClinVar aggregate classification (germline): Uncertain significance (1 of 4 stars; one submission).

Conditions:
CEP290-related disorder. Also called: CEP290-related disorders; CEP290-related condition. Identifiers: MedGen CN239314.

Submission:

PreventionGenetics, part of Exact Sciences
Classification: Uncertain significance for CEP290-related condition. Last evaluated: 2025-04-28. Review status: criteria provided, single submitter. Criteria: ACMG Guidelines, 2015. Collection method: clinical testing. Allele origin: germline.
Comment: The CEP290 c.6731C>T variant is predicted to result in the amino acid substitution p.Thr2244Ile. To our knowledge, this variant has not been reported in the literature or in a large population database (gnomAD), indicating this variant is rare. At this time, the clinical significance of this variant is uncertain due to the absence of conclusive functional and genetic evidence.